The following is an entry in ClinVar:

ClinVar aggregate classification (germline): Uncertain significance (1 of 4 stars; one submission).

Conditions:
Epileptic encephalopathy. Identifiers: MedGen C0543888, HP:0200134.

Submission:

Labcorp Genetics (formerly Invitae), Labcorp
Classification: Uncertain significance for Epileptic encephalopathy. Last evaluated: 2022-10-13. Review status: criteria provided, single submitter. Criteria: Invitae Variant Classification Sherloc (09022015). Collection method: clinical testing. Allele origin: germline.
Comment: In summary, the available evidence is currently insufficient to determine the role of this variant in disease. Therefore, it has been classified as a Variant of Uncertain Significance. Advanced modeling of protein sequence and biophysical properties (such as structural, functional, and spatial information, amino acid conservation, physicochemical variation, residue mobility, and thermodynamic stability) performed at Invitae indicates that this missense variant is not expected to disrupt RYR3 protein function. ClinVar contains an entry for this variant (Variation ID: 531016). This variant has not been reported in the literature in individuals affected with RYR3-related conditions. This variant is not present in population databases (gnomAD no frequency). This sequence change replaces alanine, which is neutral and non-polar, with serine, which is neutral and polar, at codon 2530 of the RYR3 protein (p.Ala2530Ser).

NM_001036.6(RYR3):c.7588G>T (p.Ala2530Ser)

Gene: RYR3 (ryanodine receptor 3; plus strand). Cytogenetic location: 15q14.
Variant type: single nucleotide variant.
Coding change: c.7588G>T on transcript NM_001036.6 (MANE Select); coding-DNA position 7588, G replaced by T.
Protein change: p.Ala2530Ser; replaces alanine 2530 with serine.
Molecular consequence: missense variant.
Genome position (GRCh38, 1-based): chr15:33,738,522, G>T. VCF-style: chr15-33738522-G-T. GRCh37 (hg19) VCF-style: chr15-34030723-G-T.
Other names: c.7588G>T, p.Ala2530Ser (NM_001243996.4); short protein forms A2530S.
Identifiers: ClinVar variation 531016 (VCV000531016.8), dbSNP rs1278108928, ClinGen allele CA391580268.